The following is an entry in ClinVar:

NM_000455.5(STK11):c.1015C>G (p.Pro339Ala)

Genes: STK11 (serine/threonine kinase 11; plus strand), LOC130062899 (ATAC-STARR-seq lymphoblastoid active region 13597; plus strand). Cytogenetic location: 19p13.3.
Variant type: single nucleotide variant.
Coding change: c.1015C>G on transcript NM_000455.5 (MANE Select); coding-DNA position 1015, C replaced by G.
Protein change: p.Pro339Ala; replaces proline 339 with alanine.
Molecular consequence: missense variant.
Genome position (GRCh38, 1-based): chr19:1,223,079, C>G. VCF-style: chr19-1223079-C-G. GRCh37 (hg19) VCF-style: chr19-1223078-C-G.
Other names: short protein forms P339A.
Identifiers: ClinVar variation 186311 (VCV000186311.22), dbSNP rs769644352, ClinGen allele CA022158.
Genomic context (GRCh38, chr19:1,223,079, plus strand): 5'-CCAGTGCCCATCCCACCGAGCCCAGACACCAAGGACCGGTGGCGCAGCATGACTGTGGTG[C>G]CGTACTTGGAGGACCTGCACGGCGCGGACGAGGACGAGGACCTCTTCGACATCGAGGATG-3'
Protein context (NP_000446.1, residues 329-349): KDRWRSMTVV[Pro339Ala]YLEDLHGADE

ClinVar aggregate classification (germline): Uncertain significance. Review status: criteria provided, multiple submitters, no conflicts (2 of 4 stars). 8 submissions from 8 submitters: Uncertain significance (8). Last evaluated 2025-12-08.

Conditions:
Melanoma, cutaneous malignant, susceptibility to, 1 (CMM1). Also called: B-K MOLE SYNDROME; MELANOMA, MALIGNANT; DYSPLASTIC NEVUS SYNDROME, HEREDITARY; FAMILIAL ATYPICAL MOLE-MALIGNANT MELANOMA SYNDROME. Identifiers: Orphanet 618, MedGen C1835047, MONDO:0007963, OMIM 155600.
Hereditary cancer-predisposing syndrome. Also called: Hereditary Cancer Syndrome; Neoplastic Syndromes, Hereditary; Tumor predisposition; Hereditary neoplastic syndrome. Identifiers: Orphanet 140162, MedGen C0027672, MeSH D009386, MONDO:0015356.
Peutz-Jeghers syndrome (PJS). Also called: POLYPOSIS, HAMARTOMATOUS INTESTINAL; POLYPS-AND-SPOTS SYNDROME; Peutz-Jeghers polyposis; Periorificial lentiginosis syndrome. Identifiers: Orphanet 2869, MedGen C0031269, MeSH D010580, MONDO:0008280, OMIM 175200.

Allele frequency attached by ClinVar (database versions not stated): TOPMed 0.00002; ExAC below 0.00001; gnomAD 0.00001.
gnomAD v4.1: 2 of 1,608,598 alleles (0.00012%); highest among the groups gnomAD compares: African/African-American, 0.0027%; no homozygotes.

Submissions (8):

Color Diagnostics, LLC DBA Color Health
Classification: Uncertain significance for Hereditary cancer-predisposing syndrome. Last evaluated: 2025-12-08. Review status: criteria provided, single submitter. Criteria: ACMG Guidelines, 2015. Collection method: clinical testing. Allele origin: germline.
Comment: This missense variant replaces proline with alanine at codon 339 of the STK11 protein. Computational prediction suggests that this variant may not impact protein structure and function. To our knowledge, functional studies have not been reported for this variant. This variant has not been reported in individuals affected with STK11-related disorders in the literature. This variant has not been identified in the general population by the Genome Aggregation Database (gnomAD). The available evidence is insufficient to determine the role of this variant in disease conclusively. Therefore, this variant is classified as a Variant of Uncertain Significance.

Labcorp Genetics (formerly Invitae), Labcorp
Classification: Uncertain significance for Peutz-Jeghers syndrome. Last evaluated: 2025-11-09. Review status: criteria provided, single submitter. Criteria: Invitae Variant Classification Sherloc (09022015). Collection method: clinical testing. Allele origin: germline.
Comment: This sequence change replaces proline, which is neutral and non-polar, with alanine, which is neutral and non-polar, at codon 339 of the STK11 protein (p.Pro339Ala). This variant is not present in population databases (gnomAD no frequency). This variant has not been reported in the literature in individuals affected with STK11-related conditions. ClinVar contains an entry for this variant (Variation ID: 186311). Invitae Evidence Modeling of protein sequence and biophysical properties (such as structural, functional, and spatial information, amino acid conservation, physicochemical variation, residue mobility, and thermodynamic stability) indicates that this missense variant is not expected to disrupt STK11 protein function with a negative predictive value of 95%. In summary, the available evidence is currently insufficient to determine the role of this variant in disease. Therefore, it has been classified as a Variant of Uncertain Significance.

Ambry Genetics
Classification: Uncertain significance for Hereditary cancer-predisposing syndrome. Last evaluated: 2025-09-04. Review status: criteria provided, single submitter. Criteria: Ambry Variant Classification Scheme 2023. Collection method: clinical testing. Allele origin: germline.
Comment: The p.P339A variant (also known as c.1015C>G), located in coding exon 8 of the STK11 gene, results from a C to G substitution at nucleotide position 1015. The proline at codon 339 is replaced by alanine, an amino acid with some highly similar properties. This amino acid position is highly conserved in available vertebrate species. In addition, the in silico prediction for this alteration is inconclusive. Since supporting evidence is limited at this time, the clinical significance of this alteration remains unclear.

All of Us Research Program, National Institutes of Health
Classification: Uncertain significance for Peutz-Jeghers syndrome. Last evaluated: 2024-07-10. Review status: criteria provided, single submitter. Criteria: ACMG Guidelines, 2015. Collection method: clinical testing. Allele origin: germline. Inheritance: Autosomal dominant inheritance. Observed: 2 variant alleles, 2 heterozygotes.
Comment: This missense variant replaces proline with alanine at codon 339 of the STK11 protein. Computational prediction suggests that this variant may not impact protein structure and function (internally defined REVEL score threshold <= 0.5, PMID: 27666373). To our knowledge, functional studies have not been reported for this variant. This variant has not been reported in individuals affected with STK11-related disorders in the literature. This variant has not been identified in the general population by the Genome Aggregation Database (gnomAD). The available evidence is insufficient to determine the role of this variant in disease conclusively. Therefore, this variant is classified as a Variant of Uncertain Significance.

This study involves interpretation of variants in research participants for the purpose of population health screening. Participant phenotype was not available at the time of variant classification. Additional details can be found in publication PMID: 35346344, PMCID: PMC8962531

Baylor Genetics
Classification: Uncertain significance for Melanoma, cutaneous malignant, susceptibility to, 1. Last evaluated: 2024-03-27. Review status: criteria provided, single submitter. Criteria: ACMG Guidelines, 2015. Collection method: clinical testing. Allele origin: unknown.

GeneDx
Classification: Uncertain significance. Last evaluated: 2023-06-04. Review status: criteria provided, single submitter. Criteria: GeneDx Variant Classification Process June 2021. Collection method: clinical testing. Allele origin: germline. Affected: yes.
Comment: Not observed at significant frequency in large population cohorts (gnomAD); In silico analysis supports that this missense variant has a deleterious effect on protein structure/function; Has not been previously published as pathogenic or benign to our knowledge; This variant is associated with the following publications: (PMID: 28900777)

Genome-Nilou Lab
Classification: Uncertain significance for Peutz-Jeghers syndrome. Last evaluated: 2021-07-15. Review status: criteria provided, single submitter. Criteria: ACMG Guidelines, 2015. Collection method: clinical testing. Allele origin: germline. Affected: no.

Women's Health and Genetics/Laboratory Corporation of America, LabCorp
Classification: Uncertain significance. Last evaluated: 2017-11-09. Review status: criteria provided, single submitter. Criteria: LabCorp Variant Classification Summary - May 2015. Collection method: clinical testing. Allele origin: germline.
Comment: Variant summary: The STK11 c.1015C>G (p.Pro339Ala) variant involves the alteration of a conserved nucleotide and 2/4 in silico tools predict a benign outcome for this variant (SNPsandGO not captured due to low reliability index). However, these predictions have yet to be functionally assessed. This variant is absent in 237456 control chromosomes (gnomAD). In addition, a clinical diagnostic laboratory classified this variant as uncertain significance. The variant of interest has not, to our knowledge, been reported in affected individuals via publications. Because of the absence of clinical information and the lack of functional studies, the variant is classified as a "Variant of Uncertain Significance (VUS)," until additional information becomes available.